The following is an entry in ClinVar:

GRCh38/hg38 7q33(chr7:133385456-134378422)x3

Genes: EXOC4 (exocyst complex component 4; plus strand), LRGUK (leucine rich repeats and guanylate kinase domain containing; plus strand), SLC35B4 (solute carrier family 35 member B4; minus strand), LOC101928861 (uncharacterized LOC101928861; minus strand), LOC121175370 (Sharpr-MPRA regulatory region 7226; plus strand) and 12 more. Cytogenetic location: 7q33.
Variant type: copy number gain.
Change: copy number 3 (three copies instead of two) of chr7:133,385,456-134,378,422 (993.0 kb, GRCh38 coordinates, 1-based), cytogenetic band 7q33.
Identifiers: ClinVar variation 57331 (VCV000057331.1).

ClinVar aggregate classification (germline): Uncertain significance (1 of 4 stars; one submission).

Submission:

ISCA site 4
Classification: Uncertain significance. Last evaluated: 2011-08-12. Review status: criteria provided, single submitter. Criteria: Kaminsky et al. (Genet Med. 2011). Collection method: clinical testing. Allele origin: paternal. Affected: yes. Observed: 1 variant allele.
Comment: Copy number variation identified through the course of routine clinical cytogenomic testing in postnatal populations. Clinical assertions have been curated as described in Kaminsky et al. 2011.